The following is an entry in ClinVar:

ClinVar aggregate classification (germline): Uncertain significance. Review status: criteria provided, multiple submitters, no conflicts (2 of 4 stars). 3 submissions from 3 submitters: Uncertain significance (3). Last evaluated 2026-04-17.

Conditions:
Hereditary cancer-predisposing syndrome. Also called: Hereditary Cancer Syndrome; Neoplastic Syndromes, Hereditary; Hereditary neoplastic syndrome; Tumor predisposition. Identifiers: Orphanet 140162, MedGen C0027672, MeSH D009386, MONDO:0015356.
Ataxia-telangiectasia syndrome (AT). Also called: LOUIS-BAR SYNDROME; Ataxia-telangiectasia, complementation group E; Ataxia telangiectasia (A-T); Cerebello-oculocutaneous telangiectasia; Immunodeficiency with ataxia telangiectasia; Ataxia-telangiectasia, complementation group D. Identifiers: Orphanet 100, MedGen C0004135, MONDO:0008840, OMIM 208900.

gnomAD v4.1: 1 of 1,610,600 alleles (0.000062%); no homozygotes.

Submissions (3):

Ambry Genetics
Classification: Uncertain significance for Hereditary cancer-predisposing syndrome. Last evaluated: 2026-04-17. Review status: criteria provided, single submitter. Criteria: Ambry Variant Classification Scheme 2023. Collection method: clinical testing. Allele origin: germline.
Comment: The p.L1590V variant (also known as c.4768C>G), located in coding exon 30 of the ATM gene, results from a C to G substitution at nucleotide position 4768. The leucine at codon 1590 is replaced by valine, an amino acid with highly similar properties. This amino acid position is highly conserved in available vertebrate species. In addition, the in silico prediction for this alteration is inconclusive. Based on the available evidence, the clinical significance of this variant remains unclear.

Labcorp Genetics (formerly Invitae), Labcorp
Classification: Uncertain significance for Ataxia-telangiectasia syndrome. Last evaluated: 2025-11-01. Review status: criteria provided, single submitter. Criteria: Invitae Variant Classification Sherloc (09022015). Collection method: clinical testing. Allele origin: germline.
Comment: This sequence change replaces leucine, which is neutral and non-polar, with valine, which is neutral and non-polar, at codon 1590 of the ATM protein (p.Leu1590Val). This variant is not present in population databases (gnomAD no frequency). This variant has not been reported in the literature in individuals affected with ATM-related conditions. ClinVar contains an entry for this variant (Variation ID: 1678738). Invitae Evidence Modeling of protein sequence and biophysical properties (such as structural, functional, and spatial information, amino acid conservation, physicochemical variation, residue mobility, and thermodynamic stability) indicates that this missense variant is not expected to disrupt ATM protein function with a negative predictive value of 95%. In summary, the available evidence is currently insufficient to determine the role of this variant in disease. Therefore, it has been classified as a Variant of Uncertain Significance.

GeneDx
Classification: Uncertain significance. Last evaluated: 2022-04-19. Review status: criteria provided, single submitter. Criteria: GeneDx Variant Classification Process June 2021. Collection method: clinical testing. Allele origin: germline. Affected: yes.
Comment: Not observed at significant frequency in large population cohorts (gnomAD); In silico analysis supports that this missense variant has a deleterious effect on protein structure/function; Has not been previously published as pathogenic or benign to our knowledge

NM_000051.4(ATM):c.4768C>G (p.Leu1590Val)

Gene: ATM (ATM serine/threonine kinase; plus strand). Cytogenetic location: 11q22.3.
Variant type: single nucleotide variant.
Coding change: c.4768C>G on transcript NM_000051.4 (MANE Select); coding-DNA position 4768, C replaced by G.
Protein change: p.Leu1590Val; replaces leucine 1590 with valine.
Molecular consequence: missense variant.
Genome position (GRCh38, 1-based): chr11:108,293,469, C>G. VCF-style: chr11-108293469-C-G. GRCh37 (hg19) VCF-style: chr11-108164196-C-G.
Other names: c.4768C>G, p.Leu1590Val (NM_001351834.2); short protein forms L1590V.
Identifiers: ClinVar variation 1678738 (VCV001678738.5), dbSNP rs35962982, ClinGen allele CA382535185.
Genomic context (GRCh38, chr11:108,293,469, plus strand): 5'-GTTTTTAAGGATTTGCGTATTACTCAGCAAAAAATCAAATACAGTAGAGGACCCTTTTCA[C>G]TCTTGGAGGTAATAAAAATTTCATCATCTACTATTTTTTATTAGAGAACATAGTAGTACT-3'
Protein context (NP_000042.3, residues 1580-1600): KIKYSRGPFS[Leu1590Val]LEEINHFLSV